The following is an entry in ClinVar:

ClinVar aggregate classification (germline): Likely pathogenic (1 of 4 stars; one submission).

Conditions:
Exostoses, multiple, type 1 (EXT1). Also called: Hereditary Multiple Osteochondromatosis, Type I; EXOSTOSES, MULTIPLE, TYPE I. Identifiers: MedGen CN263289, MONDO:0007585, OMIM 133700.

Submission:

Institute of Human Genetics, University of Goettingen
Classification: Likely pathogenic for Exostoses, multiple, type 1. Last evaluated: 2025-01-02. Review status: criteria provided, single submitter. Criteria: ACMG Guidelines, 2015. Collection method: clinical testing. Allele origin: germline. Inheritance: Autosomal dominant inheritance. Affected: yes. Observed: 1 heterozygote.
Comment: PVS1: frameshift variant in a gene with known lof pathomechanism PM2: extremely low in population database

NM_000127.3(EXT1):c.1184_1187del (p.Ser395fs)

Gene: EXT1 (exostosin glycosyltransferase 1; minus strand). Cytogenetic location: 8q24.11.
Variant type: Deletion.
Coding change: c.1184_1187del on transcript NM_000127.3 (MANE Select); coding-DNA positions 1184 to 1187, 4 bases deleted (CTAT; older notation c.1184_1187delCTAT).
Protein change: p.Ser395fs; shifts the reading frame from serine 395.
Molecular consequence: frameshift variant.
Genome position (GRCh38, 1-based): chr8:117,830,327-117,830,330, ATAG deleted on the plus strand (CTAT on the coding strand, the reverse complement: EXT1 is on the minus strand); deleting any 4 consecutive bases within chr8:117,830,327-117,830,331 gives the same sequence; the c. name uses the placement nearest the transcript's 3' end. VCF-style (leftmost placement, unchanged base first): chr8-117830326-AATAG-A. GRCh37 (hg19) VCF-style: chr8-118842565-AATAG-A.
Other names: short protein forms S395fs.
Identifiers: ClinVar variation 3393373 (VCV003393373.1).